The following is an entry in ClinVar:

ClinVar aggregate classification (germline): Uncertain significance (1 of 4 stars; one submission).

Submission:

CeGaT Center for Human Genetics Tuebingen
Classification: Uncertain significance. Last evaluated: 2024-06-01. Review status: criteria provided, single submitter. Criteria: CeGaT Center For Human Genetics Tuebingen Variant Classification Criteria Version 2. Collection method: clinical testing. Allele origin: germline. Affected: yes. Observed: 1 variant allele.
Comment: RELN: PM2, BP4

NM_005045.4(RELN):c.3425C>T (p.Ser1142Leu)

Gene: RELN (reelin; minus strand). Cytogenetic location: 7q22.1.
Variant type: single nucleotide variant.
Coding change: c.3425C>T on transcript NM_005045.4 (MANE Select); coding-DNA position 3425, C replaced by T.
Protein change: p.Ser1142Leu; replaces serine 1142 with leucine.
Molecular consequence: missense variant.
Genome position (GRCh38, 1-based): chr7:103,596,570, G>A on the plus strand (C>T on the coding strand, the complement: RELN is on the minus strand). VCF-style: chr7-103596570-G-A. GRCh37 (hg19) VCF-style: chr7-103237017-G-A.
Other names: c.3425C>T, p.Ser1142Leu (NM_173054.3); short protein forms S1142L.
Identifiers: ClinVar variation 3251003 (VCV003251003.18), dbSNP rs2484799518.